The following is an entry in ClinVar:

ClinVar aggregate classification (germline): Uncertain significance (1 of 4 stars; one submission).

Conditions:
Epidermolysis bullosa simplex 3, localized or generalized intermediate, with BP230 deficiency (EBS3). Also called: Epidermolysis bullosa simplex due to BP230 deficiency; Epidermolysis bullosa simplex, autosomal recessive 2. Identifiers: Orphanet 412181, MedGen C3809470, MONDO:0014180, OMIM 615425.
Hereditary sensory and autonomic neuropathy type 6. Also called: Neuropathy, hereditary sensory and autonomic, type VI; HSAN VI. Identifiers: Orphanet 314381, MedGen C3539003, MONDO:0013839, OMIM 614653.

Submission:

Labcorp Genetics (formerly Invitae), Labcorp
Classification: Uncertain significance for Epidermolysis bullosa simplex 3, localized or generalized intermediate, with BP230 deficiency; Hereditary sensory and autonomic neuropathy type 6. Last evaluated: 2024-05-06. Review status: criteria provided, single submitter. Criteria: Invitae Variant Classification Sherloc (09022015). Collection method: clinical testing. Allele origin: germline.
Comment: This variant, c.6371_6373del, results in the deletion of 1 amino acid(s) of the DST protein (p.Glu2124del), but otherwise preserves the integrity of the reading frame. This variant is present in population databases (no rsID available, gnomAD 0.0009%). This variant has not been reported in the literature in individuals affected with DST-related conditions. Experimental studies and prediction algorithms are not available or were not evaluated, and the functional significance of this variant is currently unknown. In summary, the available evidence is currently insufficient to determine the role of this variant in disease. Therefore, it has been classified as a Variant of Uncertain Significance.

NM_001723.7(DST):c.6368AAG[1] (p.Glu2124del)

Gene: DST (dystonin; minus strand). Cytogenetic location: 6p12.1.
Variant type: Microsatellite.
Coding change: c.6368AAG[1] on transcript NM_001723.7 (MANE Plus Clinical); one copy of the 3-base unit AAG starting at c.6368; the reference has two copies in a row; one copy, 3 bases deleted.
Protein change: p.Glu2124del; deletes glutamic acid 2124.
Molecular consequence: inframe deletion. On other transcripts: intron variant (10).
Genome position (GRCh38, 1-based): chr6:56,617,094-56,617,096, CTT deleted on the plus strand (AAG on the coding strand, the reverse complement: DST is on the minus strand); deleting any 3 consecutive bases within chr6:56,617,094-56,617,100 gives the same sequence; the position shown is the placement nearest the transcript's 3' end. VCF-style (leftmost placement, unchanged base first): chr6-56617093-ACTT-A. GRCh37 (hg19) VCF-style: chr6-56481891-ACTT-A.
Other names: c.4831-2612_4831-2610del (NM_001144769.5); c.4930-2612_4930-2610del (NM_001374722.1, NM_001374736.1); c.4957-2612_4957-2610del (NM_001374734.1); c.4417-2612_4417-2610del (NM_001144770.2); c.4297-2612_4297-2610del (NM_001374730.1, NM_001386100.1, NM_183380.4 and 1 more transcripts); c.3319-2612_3319-2610del (NM_015548.5); short protein forms E2124del.
Identifiers: ClinVar variation 2065439 (VCV002065439.4), dbSNP rs1238832573, ClinGen allele CA567638359.